The following is an entry in ClinVar:

ClinVar aggregate classification (germline): Conflicting classifications of pathogenicity. Review status: criteria provided, conflicting classifications (1 of 4 stars). 7 submissions from 7 submitters: Uncertain significance (6); Benign (1). Last evaluated 2026-01-28.

Conditions:
Hereditary nonpolyposis colorectal neoplasms. Identifiers: MedGen C0009405, MeSH D003123.
Lynch syndrome 5 (LYNCH5). Also called: Hereditary non-polyposis colorectal cancer, type 5; Colorectal cancer, hereditary nonpolyposis, type 5. Identifiers: Orphanet 144, MedGen C1833477, MONDO:0013710, OMIM 614350. Disease mechanism: loss of function.
Endometrial carcinoma. Also called: Endometrial carcinoma, somatic. Identifiers: MedGen C0476089, MONDO:0002447, OMIM 608089, HP:0012114.
Mismatch repair cancer syndrome 3. Identifiers: MedGen C5436807, MONDO:0030841, OMIM 619097.
Hereditary cancer-predisposing syndrome. Also called: Hereditary neoplastic syndrome; Hereditary Cancer Syndrome; Neoplastic Syndromes, Hereditary; Tumor predisposition. Identifiers: Orphanet 140162, MedGen C0027672, MeSH D009386, MONDO:0015356.
Lynch syndrome. Identifiers: Orphanet 144, MedGen C4552100, MONDO:0005835. Disease mechanism: loss of function.

gnomAD v4.1: 3 of 1,431,812 alleles (0.00021%); highest among the groups gnomAD compares: Non-Finnish European, 0.00027%; no homozygotes.

Submissions (7):

Labcorp Genetics (formerly Invitae), Labcorp
Classification: Benign for Hereditary nonpolyposis colorectal neoplasms. Last evaluated: 2026-01-28. Review status: criteria provided, single submitter. Criteria: Invitae Variant Classification Sherloc (09022015). Collection method: clinical testing. Allele origin: germline.

Quest Diagnostics Nichols Institute San Juan Capistrano
Classification: Uncertain significance. Last evaluated: 2024-08-26. Review status: criteria provided, single submitter. Criteria: Quest Diagnostics criteria. Collection method: clinical testing. Allele origin: unknown.
Comment: The MSH6 c.248C>G (p.Ala83Gly) variant has not been reported in individuals with MSH6-related conditions in the published literature. It also has not been reported in large, multi-ethnic general populations (Genome Aggregation Database). Analysis of this variant using bioinformatics tools for the prediction of the effect of amino acid changes on protein structure and function yielded predictions that this variant is benign. Based on the available information, we are unable to determine the clinical significance of this variant.

GeneDx
Classification: Uncertain significance. Last evaluated: 2024-03-18. Review status: criteria provided, single submitter. Criteria: GeneDx Variant Classification Process June 2021. Collection method: clinical testing. Allele origin: germline. Affected: yes.
Comment: Not observed at significant frequency in large population cohorts (gnomAD); In silico analysis supports that this missense variant does not alter protein structure/function; Has not been previously published as pathogenic or benign to our knowledge

Ambry Genetics
Classification: Uncertain significance for Hereditary cancer-predisposing syndrome. Last evaluated: 2024-03-01. Review status: criteria provided, single submitter. Criteria: Ambry Variant Classification Scheme 2023. Collection method: clinical testing. Allele origin: germline.
Comment: The p.A83G variant (also known as c.248C>G), located in coding exon 1 of the MSH6 gene, results from a C to G substitution at nucleotide position 248. The alanine at codon 83 is replaced by glycine, an amino acid with similar properties. This amino acid position is well conserved in available vertebrate species. In addition, this alteration is predicted to be tolerated by in silico analysis. Since supporting evidence is limited at this time, the clinical significance of this alteration remains unclear.

All of Us Research Program, National Institutes of Health
Classification: Uncertain significance for Lynch syndrome. Last evaluated: 2023-12-13. Review status: criteria provided, single submitter. Criteria: ACMG Guidelines, 2015. Collection method: clinical testing. Allele origin: germline. Inheritance: Autosomal dominant inheritance. Observed: 2 variant alleles, 2 heterozygotes.
Comment: This missense variant replaces alanine with glycine at codon 83 of the MSH6 protein. Computational prediction suggests that this variant may not impact protein structure and function (internally defined REVEL score threshold <= 0.5, PMID: 27666373). To our knowledge, functional studies have not been reported for this variant. This variant has not been reported in individuals affected with MSH6-related disorders in the literature. This variant has not been identified in the general population by the Genome Aggregation Database (gnomAD). The available evidence is insufficient to determine the role of this variant in disease conclusively. Therefore, this variant is classified as a Variant of Uncertain Significance.

This study involves interpretation of variants in research participants for the purpose of population health screening. Participant phenotype was not available at the time of variant classification. Additional details can be found in publication PMID: 35346344, PMCID: PMC8962531

Department of Pathology and Laboratory Medicine, Sinai Health System
Classification: Uncertain significance for Endometrial carcinoma; Lynch syndrome 5; Mismatch repair cancer syndrome 3. Last evaluated: 2020-07-23. Review status: criteria provided, single submitter. Criteria: ACMG Guidelines, 2015. Collection method: clinical testing. Allele origin: germline. Affected: no.

Women's Health and Genetics/Laboratory Corporation of America, LabCorp
Classification: Uncertain significance. Last evaluated: 2016-03-14. Review status: criteria provided, single submitter. Criteria: LabCorp Variant Classification Summary - May 2015. Collection method: clinical testing. Allele origin: germline.

NM_000179.3(MSH6):c.248C>G (p.Ala83Gly)

Genes: MSH6 (mutS homolog 6; plus strand), LOC129933707 (ATAC-STARR-seq lymphoblastoid silent region 11468; plus strand). Cytogenetic location: 2p16.3.
Variant type: single nucleotide variant.
Coding change: c.248C>G on transcript NM_000179.3 (MANE Select); coding-DNA position 248, C replaced by G.
Protein change: p.Ala83Gly; replaces alanine 83 with glycine.
Molecular consequence: missense variant. On other transcripts: 5 prime UTR variant (1), intron variant (1).
Genome position (GRCh38, 1-based): chr2:47,783,481, C>G. VCF-style: chr2-47783481-C-G. GRCh37 (hg19) VCF-style: chr2-48010620-C-G.
Other names: c.-489C>G (NM_001281493.2); c.237+11C>G (NM_001281492.2); short protein forms A83G.
Identifiers: ClinVar variation 234750 (VCV000234750.18), dbSNP rs876661197, ClinGen allele CA10577249.